The following is an entry in ClinVar:

NM_033305.3(VPS13A):c.7134del (p.Leu2379fs)

Gene: VPS13A (vacuolar protein sorting 13 homolog A; plus strand). Cytogenetic location: 9q21.2.
Variant type: Deletion.
Coding change: c.7134del on transcript NM_033305.3 (MANE Select); coding-DNA position 7134, one base deleted (T; older notation c.7134delT).
Protein change: p.Leu2379fs; shifts the reading frame from leucine 2379.
Molecular consequence: frameshift variant.
Genome position (GRCh38, 1-based): chr9:77,344,260, T deleted; the last of 2 consecutive T bases (chr9:77,344,259-77,344,260); deleting either gives the same sequence. VCF-style (leftmost placement, unchanged base first): chr9-77344258-AT-A. GRCh37 (hg19) VCF-style: chr9-79959174-AT-A.
Other names: c.7017del, p.Leu2340fs (NM_001018037.2); c.7134del, p.Leu2379fs (NM_001018038.3, NM_015186.4); short protein forms L2340fs, L2379fs.
Identifiers: ClinVar variation 5015347 (VCV005015347.1).

ClinVar aggregate classification (germline): Pathogenic (1 of 4 stars; one submission).

Conditions:
VPS13A-related neurodegenerative disease. Also called: ACANTHOCYTOSIS WITH NEUROLOGIC DISORDER; LEVINE-CRITCHLEY SYNDROME; Choreoacanthocytosis; Chorea-acanthocytosis; Choreaacanthocytosis; VPS13A Disease. Identifiers: Orphanet 2388, MedGen C0393576, MONDO:0008695, OMIM 200150.

Submission:

Myriad Genetics, Inc.
Classification: Pathogenic for VPS13A-related neurodegenerative disease. Last evaluated: 2025-12-20. Review status: criteria provided, single submitter. Criteria: Myriad Autosomal Dominant, Autosomal Recessive and X-Linked Classification Criteria (2023). Collection method: clinical testing. Allele origin: unknown.
Comment: NM_033305.2(VPS13A):c.7134delT(L2379Yfs*4) is expected to be pathogenic in the context of VPS13A disease. This variant is predicted to lead to an abnormal or absent protein product due to the creation of a premature termination codon in VPS13A, a gene where loss-of-function variants are known to be pathogenic. Please note: this variant was assessed in the context of healthy population screening.